The following is an entry in ClinVar:

ClinVar aggregate classification (germline): Uncertain significance (1 of 4 stars; one submission).

Allele frequency attached by ClinVar (database versions not stated): gnomAD exomes below 0.00001; ExAC 0.00001; TOPMed 0.00002.
gnomAD v4.1: 1 of 1,614,100 alleles (0.000062%); highest among the groups gnomAD compares: Non-Finnish European, 0.000085%; no homozygotes.

Submission:

Labcorp Genetics (formerly Invitae), Labcorp
Classification: Uncertain significance. Last evaluated: 2021-08-09. Review status: criteria provided, single submitter. Criteria: Invitae Variant Classification Sherloc (09022015). Collection method: clinical testing. Allele origin: germline.
Comment: In summary, the available evidence is currently insufficient to determine the role of this variant in disease. Therefore, it has been classified as a Variant of Uncertain Significance. Algorithms developed to predict the effect of missense changes on protein structure and function (SIFT, PolyPhen-2, Align-GVGD) all suggest that this variant is likely to be disruptive. This variant has not been reported in the literature in individuals affected with RBP3-related conditions. This variant is present in population databases (rs782076623, ExAC 0.002%). This sequence change replaces alanine with threonine at codon 1226 of the RBP3 protein (p.Ala1226Thr). The alanine residue is highly conserved and there is a small physicochemical difference between alanine and threonine.

NM_002900.3(RBP3):c.3676G>A (p.Ala1226Thr)

Gene: RBP3 (retinol binding protein 3; plus strand). Cytogenetic location: 10q11.22.
Variant type: single nucleotide variant.
Coding change: c.3676G>A on transcript NM_002900.3 (MANE Select); coding-DNA position 3676, G replaced by A.
Protein change: p.Ala1226Thr; replaces alanine 1226 with threonine.
Molecular consequence: missense variant.
Genome position (GRCh38, 1-based): chr10:47,357,389, G>A. VCF-style: chr10-47357389-G-A. GRCh37 (hg19) VCF-style: chr10-48381973-C-T.
Other names: short protein forms A1226T.
Identifiers: ClinVar variation 1462788 (VCV001462788.6), dbSNP rs782076623, ClinGen allele CA5486986.
Genomic context (GRCh38, chr10:47,357,389, plus strand): 5'-TGGGAAGGGGTGGGGGTGACACCCCATGTGGTTGTCCCTGCAGAAGAGGCTCTCGCCAGG[G>A]CCAAGGAGATGCTCCAGCACAACCAGCTGAGGGTGAAGCGGAGCCCAGGCCTGCAGGACC-3'
Protein context (NP_002891.1, residues 1216-1236): VVPAEEALAR[Ala1226Thr]KEMLQHNQLR